The following is an entry in ClinVar:

ClinVar aggregate classification (germline): Uncertain significance (1 of 4 stars; one submission).

gnomAD v4.1: 1 of 1,211,818 alleles (0.000083%); highest among the groups gnomAD compares: Admixed American, 0.0022%; no homozygotes.

Submission:

Labcorp Genetics (formerly Invitae), Labcorp
Classification: Uncertain significance. Last evaluated: 2023-06-11. Review status: criteria provided, single submitter. Criteria: Invitae Variant Classification Sherloc (09022015). Collection method: clinical testing. Allele origin: germline.
Comment: Algorithms developed to predict the effect of missense changes on protein structure and function output the following: SIFT: "Not Available"; PolyPhen-2: "Benign"; Align-GVGD: "Not Available". The threonine amino acid residue is found in multiple mammalian species, which suggests that this missense change does not adversely affect protein function. This variant has not been reported in the literature in individuals affected with NEXMIF-related conditions. The frequency data for this variant in the population databases is considered unreliable, as metrics indicate poor data quality at this position in the gnomAD database. This sequence change replaces proline, which is neutral and non-polar, with threonine, which is neutral and polar, at codon 1267 of the NEXMIF protein (p.Pro1267Thr). In summary, the available evidence is currently insufficient to determine the role of this variant in disease. Therefore, it has been classified as a Variant of Uncertain Significance.

NM_001008537.3(NEXMIF):c.3799C>A (p.Pro1267Thr)

Gene: NEXMIF (neurite extension and migration factor; minus strand). Cytogenetic location: Xq13.3.
Variant type: single nucleotide variant.
Coding change: c.3799C>A on transcript NM_001008537.3 (MANE Select); coding-DNA position 3799, C replaced by A.
Protein change: p.Pro1267Thr; replaces proline 1267 with threonine.
Molecular consequence: missense variant.
Genome position (GRCh38, 1-based): chrX:74,740,758, G>T on the plus strand (C>A on the coding strand, the complement: NEXMIF is on the minus strand). VCF-style: chrX-74740758-G-T. GRCh37 (hg19) VCF-style: chrX-73960593-G-T.
Other names: short protein forms P1267T.
Identifiers: ClinVar variation 2711313 (VCV002711313.3), dbSNP rs1187662037, ClinGen allele CA413664727.
Genomic context (GRCh38, chrX:74,740,758, plus strand): 5'-TCCCCAAGGCCCAATCTCCAGAAAGTCCCTTTTGACTTGGCATCTTCATAGAGGCCATAG[G>T]GCCACCATGTTGGATACATTCAGCCAATGTCTTCCCAGTGGAGGATATGGTGTTGGTTTG-3'
Protein context (NP_001008537.1, residues 1257-1277): TLAECIQHGG[Pro1267Thr]MASMKMPSQK